The following is an entry in ClinVar:

NM_002032.3(FTH1):c.452A>G (p.Asp151Gly)

Genes: BEST1 (bestrophin 1; plus strand), FTH1 (ferritin heavy chain 1; minus strand). Cytogenetic location: 11q12.3.
Variant type: single nucleotide variant.
Coding change: c.452A>G on transcript NM_002032.3 (MANE Select); coding-DNA position 452, A replaced by G.
Protein change: p.Asp151Gly; replaces aspartic acid 151 with glycine.
Molecular consequence: missense variant.
Genome position (GRCh38, 1-based): chr11:61,964,827, T>C on the plus strand (A>G on the coding strand, the complement: FTH1 is on the minus strand). VCF-style: chr11-61964827-T-C. GRCh37 (hg19) VCF-style: chr11-61732299-T-C.
Other names: short protein forms D151G.
Identifiers: ClinVar variation 3721431 (VCV003721431.2).
Genomic context (GRCh38, chr11:61,964,827, plus strand): 5'-AAGAGATATTCCGCCAAGCCAGATTCGGGCGCTCCCATCTTGCGCAAGTTGGTCACGTGG[T>C]CACCCAATTCTTTGATGGCTTTCACCTGCTCATTCAGGTAATGTGTCTCAATGAAGTCAC-3'
Protein context (NP_002023.2, residues 141-161): EQVKAIKELG[Asp151Gly]HVTNLRKMGA

ClinVar aggregate classification (germline): Uncertain significance (1 of 4 stars; one submission).

gnomAD v4.1: 121 of 1,600,814 alleles (0.0076%); highest among the groups gnomAD compares: Non-Finnish European, 0.01%; no homozygotes.

Submission:

Labcorp Genetics (formerly Invitae), Labcorp
Classification: Uncertain significance. Last evaluated: 2025-11-25. Review status: criteria provided, single submitter. Criteria: Invitae Variant Classification Sherloc (09022015). Collection method: clinical testing. Allele origin: germline.
Comment: This sequence change replaces aspartic acid, which is acidic and polar, with glycine, which is neutral and non-polar, at codon 151 of the FTH1 protein (p.Asp151Gly). This variant is present in population databases (rs370763150, gnomAD 0.01%). This variant has not been reported in the literature in individuals affected with FTH1-related conditions. ClinVar contains an entry for this variant (Variation ID: 3721431). An algorithm developed to predict the effect of missense changes on protein structure and function (PolyPhen-2) suggests that this variant is likely to be tolerated. In summary, the available evidence is currently insufficient to determine the role of this variant in disease. Therefore, it has been classified as a Variant of Uncertain Significance.